The following is an entry in ClinVar:

ClinVar aggregate classification (germline): Conflicting classifications of pathogenicity. Review status: criteria provided, conflicting classifications (1 of 4 stars). 3 submissions from 3 submitters: Uncertain significance (1); Likely benign (2). Last evaluated 2025-09-10.

Conditions:
Familial thoracic aortic aneurysm and aortic dissection (TAAD). Also called: Thoracic aortic aneurysms and dissections. Identifiers: Orphanet 91387, MedGen C4707243, MONDO:0019625.
Marfan syndrome (MFS). Also called: Marfan syndrome type 1; Marfan's syndrome; Marfan syndrome, classic; MARFAN SYNDROME, TYPE I; FBN1-Related Marfan Syndrome. Identifiers: Orphanet 284963, Orphanet 558, MedGen C0024796, MONDO:0007947, OMIM 154700.

Allele frequency attached by ClinVar (database versions not stated): gnomAD exomes 0.00002 and below 0.00001.
gnomAD v4.1: 23 of 1,613,814 alleles (0.0014%); highest among the groups gnomAD compares: East Asian, 0.0022%; no homozygotes.

Submissions (3):

Labcorp Genetics (formerly Invitae), Labcorp
Classification: Likely benign for Marfan syndrome; Familial thoracic aortic aneurysm and aortic dissection. Last evaluated: 2025-09-10. Review status: criteria provided, single submitter. Criteria: Invitae Variant Classification Sherloc (09022015). Collection method: clinical testing. Allele origin: germline.

All of Us Research Program, National Institutes of Health
Classification: Uncertain significance for Marfan syndrome. Last evaluated: 2023-10-02. Review status: criteria provided, single submitter. Criteria: ACMG Guidelines, 2015. Collection method: clinical testing. Allele origin: germline. Inheritance: Autosomal dominant inheritance. Observed: 3 variant alleles, 3 heterozygotes.
Comment: This variant is located in the FBN1 protein. To our knowledge, functional studies have not been reported for this variant. This variant has not been reported in individuals affected with FBN1-related disorders in the literature. This variant has been identified in 1/251348 chromosomes in the general population by the Genome Aggregation Database (gnomAD). The available evidence is insufficient to determine the role of this variant in disease conclusively. Therefore, this variant is classified as a Variant of Uncertain Significance.

This study involves interpretation of variants in research participants for the purpose of population health screening. Participant phenotype was not available at the time of variant classification. Additional details can be found in publication PMID: 35346344, PMCID: PMC8962531

Ambry Genetics
Classification: Likely benign for Familial thoracic aortic aneurysm and aortic dissection. Last evaluated: 2021-04-21. Review status: criteria provided, single submitter. Criteria: Ambry Variant Classification Scheme 2023. Collection method: clinical testing. Allele origin: germline.

NM_000138.5(FBN1):c.4305C>T (p.Phe1435=)

Genes: FBN1 (fibrillin 1; minus strand), LOC126862124 (CDK7 strongly-dependent group 2 enhancer GRCh37_chr15:48764566-48765765; plus strand). Cytogenetic location: 15q21.1.
Variant type: single nucleotide variant.
Coding change: c.4305C>T on transcript NM_000138.5 (MANE Select); coding-DNA position 4305, C replaced by T.
Protein change: p.Phe1435=; no amino-acid change (phenylalanine 1435 retained).
Molecular consequence: synonymous variant.
Genome position (GRCh38, 1-based): chr15:48,472,582, G>A on the plus strand (C>T on the coding strand, the complement: FBN1 is on the minus strand). VCF-style: chr15-48472582-G-A. GRCh37 (hg19) VCF-style: chr15-48764779-G-A.
Identifiers: ClinVar variation 1086005 (VCV001086005.12), dbSNP rs1243628683, ClinGen allele CA490013398.